The following is an entry in ClinVar:

NM_002430.3(MN1):c.1091dup (p.Pro365fs)

Gene: MN1 (MN1 proto-oncogene, transcriptional regulator; minus strand). Cytogenetic location: 22q12.1.
Variant type: Duplication.
Coding change: c.1091dup on transcript NM_002430.3 (MANE Select); coding-DNA position 1091, one base duplicated (C; older notation c.1091dupC).
Protein change: p.Pro365fs; shifts the reading frame from proline 365.
Molecular consequence: frameshift variant.
Genome position (GRCh38, 1-based): chr22:27,799,453, G duplicated on the plus strand (C on the coding strand, the reverse complement: MN1 is on the minus strand); the first of 2 consecutive G bases (chr22:27,799,453-27,799,454); duplicating either gives the same sequence. VCF-style (leftmost placement, unchanged base first): chr22-27799452-T-TG. GRCh37 (hg19) VCF-style: chr22-28195440-T-TG.
Other names: short protein forms P365fs.
Identifiers: ClinVar variation 979065 (VCV000979065.1), dbSNP rs1933387717, ClinGen allele CA1139667007.

ClinVar aggregate classification (germline): Likely pathogenic (0 of 4 stars; one submission).

Submission:

University of Washington Center for Mendelian Genomics, University of Washington
Classification: Likely pathogenic. Review status: no assertion criteria provided. Collection method: research. Allele origin: de novo. Affected: yes.
Comment: MN1 N-terminal truncating mutation/MN1 whole gene deletion

Literature cited by the submitters: PubMed 31834374.